The following is an entry in ClinVar:

ClinVar aggregate classification (germline): Likely benign. Review status: criteria provided, multiple submitters, no conflicts (2 of 4 stars). 5 submissions from 5 submitters: Likely benign (3). 2 of the submissions do not count toward it. Last evaluated 2025-12-01.

Conditions:
Neuropathy, hereditary sensory and autonomic, type 2A (HSAN2A). Also called: ACROOSTEOLYSIS, GIACCAI TYPE; ACROOSTEOLYSIS, NEUROGENIC; HSAN IIA; WNK1-Related HSAN2 (HSAN2A); MORVAN DISEASE; NEUROPATHY, CONGENITAL SENSORY. Identifiers: Orphanet 970, MedGen C2752089, MONDO:0024309, OMIM 201300.
Generalized epilepsy with febrile seizures plus, type 7 (GEFSP7). Also called: GEFS+, TYPE 7. Identifiers: Orphanet 36387, MedGen C2751778, MONDO:0013470, OMIM 613863.

Allele frequency attached by ClinVar (database versions not stated): TOPMed below 0.00001; gnomAD exomes 0.00001; ExAC 0.00002.
gnomAD v4.1: 16 of 1,611,910 alleles (0.00099%); highest among the groups gnomAD compares: Non-Finnish European, 0.0013%; no homozygotes.

Submissions (5):

Women's Health and Genetics/Laboratory Corporation of America, LabCorp
Classification: Likely benign. Last evaluated: 2025-12-01. Review status: criteria provided, single submitter. Criteria: LabCorp Variant Classification Summary - May 2015. Collection method: clinical testing. Allele origin: germline.

CeGaT Center for Human Genetics Tuebingen
Classification: Likely benign. Last evaluated: 2025-02-01. Review status: criteria provided, single submitter. Criteria: CeGaT Center For Human Genetics Tuebingen Variant Classification Criteria Version 2. Collection method: clinical testing. Allele origin: germline. Affected: yes. Observed: 1 variant allele.
Comment: SCN9A: BP4, BP7

Labcorp Genetics (formerly Invitae), Labcorp
Classification: Likely benign for Neuropathy, hereditary sensory and autonomic, type 2A; Generalized epilepsy with febrile seizures plus, type 7. Last evaluated: 2024-07-01. Review status: criteria provided, single submitter. Criteria: Invitae Variant Classification Sherloc (09022015). Collection method: clinical testing. Allele origin: germline.

Genome Diagnostics Laboratory, University Medical Center Utrecht
Classification: Likely benign. Review status: no assertion criteria provided. Collection method: clinical testing. Allele origin: germline. Affected: yes. Study: VKGL Data-share Consensus. Not counted in ClinVar's aggregate classification.

Joint Genome Diagnostic Labs from Nijmegen and Maastricht, Radboudumc and MUMC+
Classification: Likely benign. Review status: no assertion criteria provided. Collection method: clinical testing. Allele origin: germline. Affected: yes. Study: VKGL Data-share Consensus. Not counted in ClinVar's aggregate classification.

NM_001365536.1(SCN9A):c.4668C>A (p.Ile1556=)

Genes: SCN1A-AS1 (SCN1A and SCN9A antisense RNA 1; plus strand), SCN9A (sodium voltage-gated channel alpha subunit 9; minus strand). Cytogenetic location: 2q24.3.
Variant type: single nucleotide variant.
Coding change: c.4668C>A on transcript NM_001365536.1 (MANE Select); coding-DNA position 4668, C replaced by A.
Protein change: p.Ile1556=; no amino-acid change (isoleucine 1556 retained).
Molecular consequence: synonymous variant.
Genome position (GRCh38, 1-based): chr2:166,204,061, G>T on the plus strand (C>A on the coding strand, the complement: SCN9A is on the minus strand). VCF-style: chr2-166204061-G-T. GRCh37 (hg19) VCF-style: chr2-167060571-G-T.
Other names: c.4635C>A, p.Ile1545= (NM_002977.4).
Identifiers: ClinVar variation 1119065 (VCV001119065.26), dbSNP rs771245206, ClinGen allele CA1943809.
Genomic context (GRCh38, chr2:166,204,061, plus strand): 5'-TACAGTGAAGTAGTAGTGTCTGAGGGAGATCAGTTTTAGCACACATTCTCCAGTGAAAAG[G>T]ATTATAAAAACCACATTTATCCAATATAAAACTTCAGTCATATGTTGACTTTGACCCTCC-3'
Protein context (NP_001352465.1, residues 1546-1566): VLYWINVVFI[Ile1556=]LFTGECVLKL